The following is an entry in ClinVar:

ClinVar aggregate classification (germline): Uncertain significance (1 of 4 stars; one submission).

Conditions:
Hypotonia, ataxia, developmental delay, and tooth enamel defect syndrome. Identifiers: MedGen C4693578, MONDO:0060666, OMIM 617915.

gnomAD v4.1: 1 of 1,613,904 alleles (0.000062%); highest among the groups gnomAD compares: Non-Finnish European, 0.000085%; no homozygotes.

Submission:

Laboratorio de Genetica e Diagnostico Molecular, Hospital Israelita Albert Einstein
Classification: Uncertain significance for Hypotonia, ataxia, developmental delay, and tooth enamel defect syndrome. Last evaluated: 2024-09-27. Review status: criteria provided, single submitter. Criteria: ACMG Guidelines, 2015. Collection method: clinical testing. Allele origin: germline. Affected: yes.
Comment: ACMG classification criteria: PM2 supporting, BP4 supporting

NM_001012614.2(CTBP1):c.1039G>T (p.Ala347Ser)

Genes: CTBP1 (C-terminal binding protein 1; minus strand), CTBP1-AS (CTBP1 antisense RNA; plus strand). Cytogenetic location: 4p16.3.
Variant type: single nucleotide variant.
Coding change: c.1039G>T on transcript NM_001012614.2 (MANE Select); coding-DNA position 1039, G replaced by T.
Protein change: p.Ala347Ser; replaces alanine 347 with serine.
Molecular consequence: missense variant.
Genome position (GRCh38, 1-based): chr4:1,212,980, C>A on the plus strand (G>T on the coding strand, the complement: CTBP1 is on the minus strand). VCF-style: chr4-1212980-C-A. GRCh37 (hg19) VCF-style: chr4-1206768-C-A.
Other names: c.1072G>T, p.Ala358Ser (NM_001328.3, NM_001377186.1); c.1039G>T, p.Ala347Ser (NM_001377187.1, NM_001377188.1, NM_001377189.1 and 4 more transcripts); short protein forms A347S, A358S.
Identifiers: ClinVar variation 3901929 (VCV003901929.1).